The following is an entry in ClinVar:

ClinVar aggregate classification (germline): Uncertain significance (1 of 4 stars; one submission).

Conditions:
Landau-Kleffner syndrome (FESD). Also called: EPILEPSY, FOCAL, WITH SPEECH DISORDER AND WITH OR WITHOUT MENTAL RETARDATION; APHASIA, ACQUIRED, WITH EPILEPSY. Identifiers: Orphanet 1945, Orphanet 725, Orphanet 98818, MedGen C0282512, MONDO:0009509, OMIM 245570.

gnomAD v4.1: 5 of 1,614,082 alleles (0.00031%); highest among the groups gnomAD compares: Non-Finnish European, 0.00034%; no homozygotes.

Submission:

Labcorp Genetics (formerly Invitae), Labcorp
Classification: Uncertain significance for Landau-Kleffner syndrome. Last evaluated: 2025-11-27. Review status: criteria provided, single submitter. Criteria: Invitae Variant Classification Sherloc (09022015). Collection method: clinical testing. Allele origin: germline.
Comment: This sequence change replaces leucine, which is neutral and non-polar, with phenylalanine, which is neutral and non-polar, at codon 765 of the GRIN2A protein (p.Leu765Phe). This variant is not present in population databases (gnomAD no frequency). This variant has not been reported in the literature in individuals affected with GRIN2A-related conditions. Invitae Evidence Modeling of protein sequence and biophysical properties (such as structural, functional, and spatial information, amino acid conservation, physicochemical variation, residue mobility, and thermodynamic stability) indicates that this missense variant is not expected to disrupt GRIN2A protein function with a negative predictive value of 80%. In summary, the available evidence is currently insufficient to determine the role of this variant in disease. Therefore, it has been classified as a Variant of Uncertain Significance.

NM_001134407.3(GRIN2A):c.2293C>T (p.Leu765Phe)

Gene: GRIN2A (glutamate ionotropic receptor NMDA type subunit 2A; minus strand). Cytogenetic location: 16p13.2.
Variant type: single nucleotide variant.
Coding change: c.2293C>T on transcript NM_001134407.3 (MANE Select); coding-DNA position 2293, C replaced by T.
Protein change: p.Leu765Phe; replaces leucine 765 with phenylalanine.
Molecular consequence: missense variant.
Genome position (GRCh38, 1-based): chr16:9,798,340, G>A on the plus strand (C>T on the coding strand, the complement: GRIN2A is on the minus strand). VCF-style: chr16-9798340-G-A. GRCh37 (hg19) VCF-style: chr16-9892197-G-A.
Other names: c.2293C>T, p.Leu765Phe (NM_000833.5, NM_001134408.2); short protein forms L765F.
Identifiers: ClinVar variation 4745838 (VCV004745838.1).